The following is an entry in ClinVar:

NM_182961.4(SYNE1):c.23635A>G (p.Lys7879Glu)

Gene: SYNE1 (spectrin repeat containing nuclear envelope protein 1; minus strand). Cytogenetic location: 6q25.2.
Variant type: single nucleotide variant.
Coding change: c.23635A>G on transcript NM_182961.4 (MANE Select); coding-DNA position 23635, A replaced by G.
Protein change: p.Lys7879Glu; replaces lysine 7879 with glutamic acid.
Molecular consequence: missense variant.
Genome position (GRCh38, 1-based): chr6:152,164,318, T>C on the plus strand (A>G on the coding strand, the complement: SYNE1 is on the minus strand). VCF-style: chr6-152164318-T-C. GRCh37 (hg19) VCF-style: chr6-152485453-T-C.
Other names: c.241A>G, p.Lys81Glu (NM_001347701.2); c.100A>G, p.Lys34Glu (NM_001347702.2); c.23422A>G, p.Lys7808Glu (NM_033071.5); short protein forms K34E, K81E, K7808E, K7879E.
Identifiers: ClinVar variation 1390793 (VCV001390793.6), dbSNP rs2153026780, ClinGen allele CA366089138.

ClinVar aggregate classification (germline): Uncertain significance (1 of 4 stars; one submission).

Conditions:
Emery-Dreifuss muscular dystrophy 4, autosomal dominant (EDMD4). Also called: EMERY-DREIFUSS MUSCULAR DYSTROPHY 4 WITH VARIABLE FEATURES. Identifiers: Orphanet 261, MedGen C2751807, MONDO:0013071, OMIM 612998.
Autosomal recessive ataxia, Beauce type. Also called: SYNE1-Related Autosomal Recessive Cerebellar Ataxia; Spinocerebellar ataxia, autosomal recessive 8; ATAXIA, RECESSIVE, OF BEAUCE; SYNE1 Deficiency. Identifiers: Orphanet 88644, MedGen C1853116, MONDO:0012549, OMIM 610743.

Submission:

Labcorp Genetics (formerly Invitae), Labcorp
Classification: Uncertain significance for Emery-Dreifuss muscular dystrophy 4, autosomal dominant; Autosomal recessive ataxia, Beauce type. Last evaluated: 2021-11-02. Review status: criteria provided, single submitter. Criteria: Invitae Variant Classification Sherloc (09022015). Collection method: clinical testing. Allele origin: germline.
Comment: In summary, the available evidence is currently insufficient to determine the role of this variant in disease. Therefore, it has been classified as a Variant of Uncertain Significance. Algorithms developed to predict the effect of missense changes on protein structure and function are either unavailable or do not agree on the potential impact of this missense change (SIFT: "Deleterious"; PolyPhen-2: "Probably Damaging"; Align-GVGD: "Class C0"). This variant has not been reported in the literature in individuals affected with SYNE1-related conditions. This variant is not present in population databases (gnomAD no frequency). This sequence change replaces lysine, which is basic and polar, with glutamic acid, which is acidic and polar, at codon 7808 of the SYNE1 protein (p.Lys7808Glu).